The following is an entry in ClinVar:

ClinVar aggregate classification (germline): Likely benign. Review status: criteria provided, multiple submitters, no conflicts (2 of 4 stars). 2 submissions from 2 submitters: Likely benign (2). Last evaluated 2025-10-07.

Allele frequency attached by ClinVar (database versions not stated): gnomAD 0.00003; ExAC 0.00004; gnomAD exomes 0.00004 and 0.00006; TOPMed 0.00004.
gnomAD v4.1: 67 of 1,614,104 alleles (0.0042%); highest among the groups gnomAD compares: Middle Eastern, 0.049%; no homozygotes.

Submissions (2):

Labcorp Genetics (formerly Invitae), Labcorp
Classification: Likely benign. Last evaluated: 2025-10-07. Review status: criteria provided, single submitter. Criteria: Invitae Variant Classification Sherloc (09022015). Collection method: clinical testing. Allele origin: germline.

CeGaT Center for Human Genetics Tuebingen
Classification: Likely benign. Last evaluated: 2025-01-01. Review status: criteria provided, single submitter. Criteria: CeGaT Center For Human Genetics Tuebingen Variant Classification Criteria Version 2. Collection method: clinical testing. Allele origin: germline. Affected: yes. Observed: 1 variant allele.
Comment: LYN: BP4, BP7

NM_002350.4(LYN):c.1506A>T (p.Thr502=)

Gene: LYN (LYN proto-oncogene, Src family tyrosine kinase; plus strand). Cytogenetic location: 8q12.1.
Variant type: single nucleotide variant.
Coding change: c.1506A>T on transcript NM_002350.4 (MANE Select); coding-DNA position 1506, A replaced by T.
Protein change: p.Thr502=; no amino-acid change (threonine 502 retained).
Molecular consequence: synonymous variant.
Genome position (GRCh38, 1-based): chr8:56,010,077, A>T. VCF-style: chr8-56010077-A-T. GRCh37 (hg19) VCF-style: chr8-56922636-A-T.
Other names: c.1443A>T, p.Thr481= (NM_001111097.3).
Identifiers: ClinVar variation 1628408 (VCV001628408.22), dbSNP rs758017130, ClinGen allele CA4754271.